The following is an entry in ClinVar:

ClinVar aggregate classification (germline): Conflicting classifications of pathogenicity. Review status: criteria provided, conflicting classifications (1 of 4 stars). 5 submissions from 5 submitters: Uncertain significance (3); Benign (1). 1 of the submissions does not count toward it. Last evaluated 2026-01-27.

Conditions:
Finnish congenital nephrotic syndrome (NPHS1). Also called: NEPHROTIC SYNDROME, TYPE 1. Identifiers: Orphanet 839, MedGen C0403399, MONDO:0009732, OMIM 256300.
Congenital nephrotic syndrome. Also called: Familial nephrotic syndrome. Identifiers: MedGen C3501848, MeSH C535761, MONDO:0002350, HP:0008677.

Allele frequency attached by ClinVar (database versions not stated): gnomAD 0.00013 and 0.00015; ESP Exome Variant Server 0.00015; TOPMed 0.00038.

Submissions (5):

Labcorp Genetics (formerly Invitae), Labcorp
Classification: Benign. Last evaluated: 2026-01-27. Review status: criteria provided, single submitter. Criteria: Invitae Variant Classification Sherloc (09022015). Collection method: clinical testing. Allele origin: germline.

Genetic Services Laboratory, University of Chicago
Classification: Uncertain significance. Last evaluated: 2025-07-29. Review status: criteria provided, single submitter. Criteria: ACMG Guidelines, 2015. Collection method: clinical testing. Allele origin: germline.
Comment: DNA sequence analysis of the NPHS1 gene demonstrated a sequence change, c.1183G>A, in exon 10 that results in an amino acid change, p.Gly395Ser. This sequence change does not appear to have been previously described in individuals with NPHS1-related disorders. This sequence change has been described in the gnomAD database with a frequency of 0.61% in the Latino subpopulation (dbSNP rs372069596). The p.Gly395Ser change affects a highly conserved amino acid residue located in a domain of the NPHS1 protein that is known to be functional. The p.Gly395Ser substitution appears to be deleterious/possibly damaging using several in-silico pathogenicity prediction tools (SIFT, PolyPhen2, Align GVGD, REVEL). Due to insufficient evidences and the lack of functional studies, the clinical significance of the p.Gly395Ser change remains unknown at this time.

GeneDx
Classification: Uncertain significance. Last evaluated: 2019-11-26. Review status: criteria provided, single submitter. Criteria: GeneDx Variant Classification Process June 2021. Collection method: clinical testing. Allele origin: germline. Affected: yes.
Comment: In silico analysis, which includes protein predictors and evolutionary conservation, supports a deleterious effect; Has not been previously published as pathogenic or benign to our knowledge

Illumina Laboratory Services, Illumina
Classification: Uncertain significance for Congenital nephrotic syndrome. Last evaluated: 2018-01-13. Review status: criteria provided, single submitter. Criteria: ICSL Variant Classification Criteria 13 December 2019. Collection method: clinical testing. Allele origin: germline.

Natera, Inc.
Classification: Likely benign for Finnish congenital nephrotic syndrome. Last evaluated: 2020-01-23. Review status: no assertion criteria provided. Collection method: clinical testing. Allele origin: germline. Not counted in ClinVar's aggregate classification.

NM_004646.4(NPHS1):c.1183G>A (p.Gly395Ser)

Gene: NPHS1 (NPHS1 adhesion molecule, nephrin; minus strand). Cytogenetic location: 19q13.12.
Variant type: single nucleotide variant.
Coding change: c.1183G>A on transcript NM_004646.4 (MANE Select); coding-DNA position 1183, G replaced by A.
Protein change: p.Gly395Ser; replaces glycine 395 with serine.
Molecular consequence: missense variant.
Genome position (GRCh38, 1-based): chr19:35,848,385, C>T on the plus strand (G>A on the coding strand, the complement: NPHS1 is on the minus strand). VCF-style: chr19-35848385-C-T. GRCh37 (hg19) VCF-style: chr19-36339287-C-T.
Other names: short protein forms G395S.
Identifiers: ClinVar variation 721875 (VCV000721875.20), dbSNP rs372069596, ClinGen allele CA9390509.
Genomic context (GRCh38, chr19:35,848,385, plus strand): 5'-GGGTCAGACCGTTGTCCTCCCGCCGCGCCAGGAATGTCAGGTTGGACATGGAGATGTGAC[C>T]GCCATGCAGTCCCTGGCAGGGAGTGAGCTTCAGACGTGGGGACTGCAGCACCCCTATCCA-3'
Protein context (NP_004637.1, residues 385-405): EETVMDGLHG[Gly395Ser]HISMSNLTFL